The following is an entry in ClinVar:

NM_002691.4(POLD1):c.2726A>G (p.Lys909Arg)

Gene: POLD1 (DNA polymerase delta 1, catalytic subunit; plus strand). Cytogenetic location: 19q13.33.
Variant type: single nucleotide variant.
Coding change: c.2726A>G on transcript NM_002691.4 (MANE Select); coding-DNA position 2726, A replaced by G.
Protein change: p.Lys909Arg; replaces lysine 909 with arginine.
Molecular consequence: missense variant.
Genome position (GRCh38, 1-based): chr19:50,415,732, A>G. VCF-style: chr19-50415732-A-G. GRCh37 (hg19) VCF-style: chr19-50918989-A-G.
Other names: c.2726A>G, p.Lys909Arg (NM_001256849.1); c.2804A>G, p.Lys935Arg (NM_001308632.1); short protein forms K935R, K909R.
Identifiers: ClinVar variation 3781371 (VCV003781371.2).

ClinVar aggregate classification (germline): Uncertain significance. Review status: criteria provided, multiple submitters, no conflicts (2 of 4 stars). 2 submissions from 2 submitters: Uncertain significance (2). Last evaluated 2026-01-25.

Conditions:
Hereditary cancer-predisposing syndrome. Also called: Neoplastic Syndromes, Hereditary; Tumor predisposition; Hereditary Cancer Syndrome; Hereditary neoplastic syndrome. Identifiers: Orphanet 140162, MedGen C0027672, MeSH D009386, MONDO:0015356.
POLD1-related polyposis and colorectal cancer syndrome (CRCS10). Also called: Colorectal cancer 10; COLORECTAL CANCER, SUSCEPTIBILITY TO, ON CHROMOSOME 19q; Colorectal cancer, susceptibility to, 10. Identifiers: Orphanet 220460, MedGen C2675481, MONDO:0012953, OMIM 612591.

Submissions (2):

Labcorp Genetics (formerly Invitae), Labcorp
Classification: Uncertain significance for POLD1-related polyposis and colorectal cancer syndrome. Last evaluated: 2026-01-25. Review status: criteria provided, single submitter. Criteria: Invitae Variant Classification Sherloc (09022015). Collection method: clinical testing. Allele origin: germline.
Comment: This sequence change replaces lysine, which is basic and polar, with arginine, which is basic and polar, at codon 909 of the POLD1 protein (p.Lys909Arg). This variant is not present in population databases (gnomAD no frequency). This variant has not been reported in the literature in individuals affected with POLD1-related conditions. ClinVar contains an entry for this variant (Variation ID: 3781371). Invitae Evidence Modeling of protein sequence and biophysical properties (such as structural, functional, and spatial information, amino acid conservation, physicochemical variation, residue mobility, and thermodynamic stability) indicates that this missense variant is not expected to disrupt POLD1 protein function with a negative predictive value of 80%. In summary, the available evidence is currently insufficient to determine the role of this variant in disease. Therefore, it has been classified as a Variant of Uncertain Significance.

Ambry Genetics
Classification: Uncertain significance for Hereditary cancer-predisposing syndrome. Last evaluated: 2024-12-22. Review status: criteria provided, single submitter. Criteria: Ambry Variant Classification Scheme 2023. Collection method: clinical testing. Allele origin: germline.
Comment: The p.K909R variant (also known as c.2726A>G), located in coding exon 21 of the POLD1 gene, results from an A to G substitution at nucleotide position 2726. The lysine at codon 909 is replaced by arginine, an amino acid with highly similar properties. This amino acid position is conserved. In addition, this alteration is predicted to be tolerated by in silico analysis. Based on the available evidence, the clinical significance of this variant remains unclear.